The following is an entry in ClinVar:

NM_025136.4(OPA3):c.55del (p.Val19fs)

Genes: OPA3 (outer mitochondrial membrane lipid metabolism regulator OPA3; minus strand), OPA3-RTN2 (OPA3-RTN2 readthrough; minus strand), LOC130064709 (ATAC-STARR-seq lymphoblastoid active region 14802; plus strand). Cytogenetic location: 19q13.32.
Variant type: Deletion.
Coding change: c.55del on transcript NM_025136.4 (MANE Select); coding-DNA position 55, one base deleted (G; older notation c.55delG).
Protein change: p.Val19fs; shifts the reading frame from valine 19.
Molecular consequence: frameshift variant.
Genome position (GRCh38, 1-based): chr19:45,584,710, C deleted on the plus strand (G on the coding strand, the reverse complement: OPA3 is on the minus strand); the first of 2 consecutive C bases (chr19:45,584,710-45,584,711); deleting either gives the same sequence. VCF-style (leftmost placement, unchanged base first): chr19-45584709-AC-A. GRCh37 (hg19) VCF-style: chr19-46087967-AC-A.
Other names: c.55del, p.Val19fs (NM_001017989.3); short protein forms V19fs.
Identifiers: ClinVar variation 3775723 (VCV003775723.1).

ClinVar aggregate classification (germline): Pathogenic (1 of 4 stars; one submission).

Conditions:
3-Methylglutaconic aciduria type 3 (MGCA3). Also called: OPA3, AUTOSOMAL RECESSIVE; OPTIC ATROPHY 3, AUTOSOMAL RECESSIVE; OPA3-Related 3-Methylglutaconic Aciduria; Costeff Syndrome. Identifiers: Orphanet 67047, MedGen C0574084, MONDO:0009787, OMIM 258501.

Submission:

3billion
Classification: Pathogenic for 3-Methylglutaconic aciduria type 3. Last evaluated: 2023-10-24. Review status: criteria provided, single submitter. Criteria: ACMG Guidelines, 2015. Collection method: clinical testing. Allele origin: germline. Affected: yes.
Comment: The variant is not observed in the gnomAD v2.1.1 dataset. Predicted Consequence/Location: Frameshift: predicted to result in a loss or disruption of normal protein function through nonsense-mediated decay (NMD) or protein truncation. Multiple pathogenic variants are reported downstream of the variant. Therefore, this variant is classified as Likely Pathogenic according to the recommendation of ACMG/AMP guideline.